The following is an entry in ClinVar:

NM_138694.4(PKHD1):c.11665+4T>C

Gene: PKHD1 (PKHD1 ciliary IPT domain containing fibrocystin/polyductin; minus strand). Cytogenetic location: 6p12.3.
Variant type: single nucleotide variant.
Coding change: c.11665+4T>C on transcript NM_138694.4 (MANE Select); 4 bases into the intron after coding-DNA position 11665, T replaced by C.
Molecular consequence: intron variant.
Genome position (GRCh38, 1-based): chr6:51,632,561, A>G on the plus strand (T>C on the coding strand, the complement: PKHD1 is on the minus strand). VCF-style: chr6-51632561-A-G. GRCh37 (hg19) VCF-style: chr6-51497359-A-G.
Identifiers: ClinVar variation 4985357 (VCV004985357.1).

ClinVar aggregate classification (germline): Likely benign (1 of 4 stars; one submission).

Conditions:
PKHD1-related disorder. Also called: PKHD1-related condition.

gnomAD v4.1: 2 of 1,610,838 alleles (0.00012%); highest among the groups gnomAD compares: Middle Eastern, 0.017%; no homozygotes.

Submission:

PreventionGenetics, part of Exact Sciences
Classification: Likely benign for PKHD1-related condition. Last evaluated: 2025-04-19. Review status: criteria provided, single submitter. Criteria: ACMG Guidelines, 2015. Collection method: clinical testing. Allele origin: germline.
Comment: This variant is classified as likely benign based on ACMG/AMP sequence variant interpretation guidelines (Richards et al. 2015 PMID: 25741868, with internal and published modifications).